The following is an entry in ClinVar:

NM_001377.3(DYNC2H1):c.3638T>G (p.Leu1213Arg)

Gene: DYNC2H1 (dynein cytoplasmic 2 heavy chain 1; plus strand). Cytogenetic location: 11q22.3.
Variant type: single nucleotide variant.
Coding change: c.3638T>G on transcript NM_001377.3 (MANE Select); coding-DNA position 3638, T replaced by G.
Protein change: p.Leu1213Arg; replaces leucine 1213 with arginine.
Molecular consequence: missense variant.
Genome position (GRCh38, 1-based): chr11:103,155,395, T>G. VCF-style: chr11-103155395-T-G. GRCh37 (hg19) VCF-style: chr11-103026124-T-G.
Other names: c.3638T>G, p.Leu1213Arg (NM_001080463.2); short protein forms L1213R.
Identifiers: ClinVar variation 266101 (VCV000266101.3), dbSNP rs886039812, ClinGen allele CA10588967.
Genomic context (GRCh38, chr11:103,155,395, plus strand): 5'-TAATTCCTATCTTGAAATATGTGAGAGGGGAGCATCTTTCTCCAGATCACTGGCTTGACC[T>G]TTTTCGTCTCCTTGGACTTCCTAGGGGGACTAGTCTAGAGAAACTACTGTTTGGTGATTT-3'
Protein context (NP_001368.2, residues 1203-1223): EHLSPDHWLD[Leu1213Arg]FRLLGLPRGT

ClinVar aggregate classification (germline): Likely pathogenic. Review status: criteria provided, single submitter (1 of 4 stars). 2 submissions from 1 submitter: Likely pathogenic (1). 1 of the submissions does not count toward it. Last evaluated 2024-03-17.

Conditions:
Asphyxiating thoracic dystrophy 3. Also called: Short rib polydactyly syndrome 2B; SHORT-RIB THORACIC DYSPLASIA 3 WITH OR WITHOUT POLYDACTYLY; POLYDACTYLY WITH NEONATAL CHONDRODYSTROPHY, TYPE I; SHORT-RIB THORACIC DYSPLASIA 3/6 WITH POLYDACTYLY, DIGENIC; Saldino-Noonan Syndrome. Identifiers: Orphanet 474, Orphanet 93269, Orphanet 93270, Orphanet 93271, MedGen C0036069, MONDO:0013127, OMIM 613091.

Submissions (2):

Genomic Medicine Center of Excellence, King Faisal Specialist Hospital and Research Centre
Classification: Likely pathogenic for Asphyxiating thoracic dystrophy 3. Last evaluated: 2024-03-17. Review status: criteria provided, single submitter. Criteria: ACMG Guidelines, 2015. Collection method: research. Allele origin: germline.

Genomic Medicine Center of Excellence, King Faisal Specialist Hospital and Research Centre
Classification: Likely pathogenic for Short-rib thoracic dysplasia. Review status: flagged submission. Collection method: research. Allele origin: germline. Affected: yes. Observed: 1 homozygote. Not counted in ClinVar's aggregate classification.
ClinVar note: Reason: This record appears to be redundant with a more recent record from the same submitter.
ClinVar note: Notes: SCV000322796 appears to be redundant with SCV004804837.